The following is an entry in ClinVar:

NM_174936.4(PCSK9):c.803T>G (p.Leu268Arg)

Gene: PCSK9 (proprotein convertase subtilisin/kexin type 9; plus strand). Cytogenetic location: 1p32.3.
Variant type: single nucleotide variant.
Coding change: c.803T>G on transcript NM_174936.4 (MANE Select); coding-DNA position 803, T replaced by G.
Protein change: p.Leu268Arg; replaces leucine 268 with arginine.
Molecular consequence: missense variant. On other transcripts: non-coding transcript variant (8).
Genome position (GRCh38, 1-based): chr1:55,055,996, T>G. VCF-style: chr1-55055996-T-G. GRCh37 (hg19) VCF-style: chr1-55521669-T-G.
Other names: c.926T>G, p.Leu309Arg (NM_001407240.1); c.803T>G, p.Leu268Arg (NM_001407241.1, NM_001407244.1, NM_001407247.1); c.806T>G, p.Leu269Arg (NM_001407242.1); c.746T>G, p.Leu249Arg (NM_001407243.1); c.611T>G, p.Leu204Arg (NM_001407245.1); c.428T>G, p.Leu143Arg (NM_001407246.1); short protein forms L143R, L204R, L249R, L268R, L269R, L309R.
Identifiers: ClinVar variation 3387433 (VCV003387433.1).

ClinVar aggregate classification (germline): Uncertain significance (1 of 4 stars; one submission).

Conditions:
Hypercholesterolemia, autosomal dominant, 3 (FHCL3). Also called: Familial Hypercholesterolemia, Autosomal Dominant, 3; PCSK9-Related Familial Hypercholesterolemia, Autosomal Dominant; Familial hypercholesterolemia 3. Identifiers: MedGen C1863551, MONDO:0011369, OMIM 603776.

Submission:

All of Us Research Program, National Institutes of Health
Classification: Uncertain significance for Hypercholesterolemia, autosomal dominant, 3. Last evaluated: 2024-03-05. Review status: criteria provided, single submitter. Criteria: ACMG Guidelines, 2015. Collection method: clinical testing. Allele origin: germline. Inheritance: Autosomal dominant inheritance. Observed: 1 variant allele, 1 heterozygote.
Comment: This study involves interpretation of variants in research participants for the purpose of population health screening. Participant phenotype was not available at the time of variant classification. Additional details can be found in publication PMID: 35346344, PMCID: PMC8962531